The following is an entry in ClinVar:

ClinVar aggregate classification (germline): Uncertain significance. Review status: criteria provided, multiple submitters, no conflicts (2 of 4 stars). 2 submissions from 2 submitters: Uncertain significance (2). Last evaluated 2023-09-21.

Conditions:
Inborn genetic diseases. Identifiers: MedGen C0950123, MeSH D030342.

Allele frequency attached by ClinVar (database versions not stated): TOPMed below 0.00001; gnomAD exomes 0.00001.
gnomAD v4.1: 8 of 1,613,454 alleles (0.0005%); highest among the groups gnomAD compares: Non-Finnish European, 0.00068%; no homozygotes.

Submissions (2):

Ambry Genetics
Classification: Uncertain significance for Inborn genetic diseases. Last evaluated: 2023-09-21. Review status: criteria provided, single submitter. Criteria: Ambry Variant Classification Scheme 2023. Collection method: clinical testing. Allele origin: germline.

GeneDx
Classification: Uncertain significance. Last evaluated: 2021-04-09. Review status: criteria provided, single submitter. Criteria: GeneDx Variant Classification Process June 2021. Collection method: clinical testing. Allele origin: germline. Affected: yes.
Comment: Not observed in large population cohorts (Lek et al., 2016); In silico analysis supports that this missense variant does not alter protein structure/function; Has not been previously published as pathogenic or benign to our knowledge

NM_001385012.1(NBEA):c.2913A>C (p.Glu971Asp)

Gene: NBEA (neurobeachin; plus strand). Cytogenetic location: 13q13.3.
Variant type: single nucleotide variant.
Coding change: c.2913A>C on transcript NM_001385012.1 (MANE Select); coding-DNA position 2913, A replaced by C.
Protein change: p.Glu971Asp; replaces glutamic acid 971 with aspartic acid.
Molecular consequence: missense variant.
Genome position (GRCh38, 1-based): chr13:35,159,084, A>C. VCF-style: chr13-35159084-A-C. GRCh37 (hg19) VCF-style: chr13-35733221-A-C.
Other names: c.2913A>C, p.Glu971Asp (NM_001379245.1, NM_015678.5); short protein forms E971D.
Identifiers: ClinVar variation 1316077 (VCV001316077.3), dbSNP rs1420220510, ClinGen allele CA387836316.
Genomic context (GRCh38, chr13:35,159,084, plus strand): 5'-TGAAGCTCATAAGGAATACCTAGCCAAAATGTATGAGGAATATCAAAGACAAGAGGAGGA[A>C]AACATTAAAAAGGGAAAGAAAGGGAATGTGAGCACCATCTCTGGTCTTTCATCACAGACA-3'
Protein context (NP_001371941.1, residues 961-981): MYEEYQRQEE[Glu971Asp]NIKKGKKGNV